The following is an entry in ClinVar:

ClinVar aggregate classification (germline): Conflicting classifications of pathogenicity. Review status: criteria provided, conflicting classifications (1 of 4 stars). 3 submissions from 3 submitters: Uncertain significance (1); Likely benign (2). Last evaluated 2024-09-18.

Conditions:
Inborn genetic diseases. Identifiers: MedGen C0950123, MeSH D030342.
Autosomal recessive inherited pseudoxanthoma elasticum (PXE). Identifiers: Orphanet 758, MedGen CN032334, MONDO:0009925, OMIM 264800.
Pseudoxanthoma elasticum, forme fruste. Also called: Pseudoxanthoma Elasticum, Incomplete; PSEUDOXANTHOMA ELASTICUM, HETEROZYGOUS. Identifiers: Orphanet 758, MedGen C1867450, MONDO:0008333, OMIM 177850.
Arterial calcification, generalized, of infancy, 2. Identifiers: Orphanet 51608, MedGen C3276161, MONDO:0013768, OMIM 614473.

Allele frequency attached by ClinVar (database versions not stated): gnomAD exomes 0.00002 and 0.00008; ExAC 0.00007; TOPMed 0.00009; gnomAD 0.00004.
gnomAD v4.1: 40 of 1,613,336 alleles (0.0025%); highest among the groups gnomAD compares: South Asian, 0.018%; 1 homozygote.

Submissions (3):

Ambry Genetics
Classification: Likely benign for Inborn genetic diseases. Last evaluated: 2024-09-18. Review status: criteria provided, single submitter. Criteria: Ambry Variant Classification Scheme 2023. Collection method: clinical testing. Allele origin: germline.

Fulgent Genetics
Classification: Likely benign for Pseudoxanthoma elasticum, forme fruste; Autosomal recessive inherited pseudoxanthoma elasticum; Arterial calcification, generalized, of infancy, 2. Last evaluated: 2024-06-18. Review status: criteria provided, single submitter. Criteria: ACMG Guidelines, 2015. Collection method: clinical testing. Allele origin: germline.

Labcorp Genetics (formerly Invitae), Labcorp
Classification: Uncertain significance. Last evaluated: 2023-08-10. Review status: criteria provided, single submitter. Criteria: Invitae Variant Classification Sherloc (09022015). Collection method: clinical testing. Allele origin: germline.
Comment: In summary, the available evidence is currently insufficient to determine the role of this variant in disease. Therefore, it has been classified as a Variant of Uncertain Significance. Advanced modeling of protein sequence and biophysical properties (such as structural, functional, and spatial information, amino acid conservation, physicochemical variation, residue mobility, and thermodynamic stability) performed at Invitae indicates that this missense variant is not expected to disrupt ABCC6 protein function. ClinVar contains an entry for this variant (Variation ID: 1432078). This variant has not been reported in the literature in individuals affected with ABCC6-related conditions. This variant is present in population databases (rs780276741, gnomAD 0.04%). This sequence change replaces valine, which is neutral and non-polar, with alanine, which is neutral and non-polar, at codon 1107 of the ABCC6 protein (p.Val1107Ala).

NM_001171.6(ABCC6):c.3320T>C (p.Val1107Ala)

Gene: ABCC6 (ATP binding cassette subfamily C member 6; minus strand). Cytogenetic location: 16p13.11.
Variant type: single nucleotide variant.
Coding change: c.3320T>C on transcript NM_001171.6 (MANE Select); coding-DNA position 3320, T replaced by C.
Protein change: p.Val1107Ala; replaces valine 1107 with alanine.
Molecular consequence: missense variant.
Genome position (GRCh38, 1-based): chr16:16,163,179, A>G on the plus strand (T>C on the coding strand, the complement: ABCC6 is on the minus strand). VCF-style: chr16-16163179-A-G. GRCh37 (hg19) VCF-style: chr16-16257036-A-G.
Other names: c.2978T>C, p.Val993Ala (NM_001351800.1); c.3320T>C (NM_001171.5); short protein forms V1107A, V993A.
Identifiers: ClinVar variation 1432078 (VCV001432078.7), dbSNP rs780276741, ClinGen allele CA7925606.